The following is an entry in ClinVar:

NC_000022.10:g.(?_32150908)_(32293659_?)del

Gene: DEPDC5 (DEP domain containing 5, GATOR1 subcomplex subunit; plus strand). Cytogenetic location: 22q12.2-12.3.
Variant type: Deletion.
Identifiers: ClinVar variation 2423993 (VCV002423993.3).

ClinVar aggregate classification (germline): Pathogenic (1 of 4 stars; one submission).

Conditions:
Familial focal epilepsy with variable foci (FPEVF). Identifiers: Orphanet 98820, MedGen C1858477, MONDO:0020310.

Submission:

Labcorp Genetics (formerly Invitae), Labcorp
Classification: Pathogenic for Familial focal epilepsy with variable foci. Last evaluated: 2022-05-27. Review status: criteria provided, single submitter. Criteria: Invitae Variant Classification Sherloc (09022015). Collection method: clinical testing. Allele origin: germline.
Comment: This variant is a gross deletion of the genomic region encompassing exon(s) 2-40 of the DEPDC5 gene, which includes the initiator codon. This deletion extends beyond the assayed region for this gene and therefore may encompass additional genes. It is expected to result in an absent or disrupted protein product. Loss-of-function variants in DEPDC5 are known to be pathogenic (PMID: 23542697, 23542701). This variant has not been reported in the literature in individuals affected with DEPDC5-related conditions. For these reasons, this variant has been classified as Pathogenic.

Literature cited by the submitters: PubMed 23542697; PubMed 23542701.